The following is an entry in ClinVar:

ClinVar aggregate classification (germline): Uncertain significance. Review status: criteria provided, multiple submitters, no conflicts (2 of 4 stars). 2 submissions from 2 submitters: Uncertain significance (2). Last evaluated 2025-11-04.

Conditions:
Hereditary cancer-predisposing syndrome. Also called: Neoplastic Syndromes, Hereditary; Tumor predisposition; Hereditary Cancer Syndrome; Hereditary neoplastic syndrome. Identifiers: Orphanet 140162, MedGen C0027672, MeSH D009386, MONDO:0015356.
Bloom syndrome (BLM). Also called: Bloom-Torre-Machacek syndrome. Identifiers: Orphanet 125, MedGen C0005859, MONDO:0008876, OMIM 210900.

Allele frequency attached by ClinVar (database versions not stated): gnomAD exomes below 0.00001.
gnomAD v4.1: 2 of 1,614,232 alleles (0.00012%); highest among the groups gnomAD compares: Non-Finnish European, 0.00017%; no homozygotes.

Submissions (2):

Labcorp Genetics (formerly Invitae), Labcorp
Classification: Uncertain significance for Bloom syndrome. Last evaluated: 2025-11-04. Review status: criteria provided, single submitter. Criteria: Invitae Variant Classification Sherloc (09022015). Collection method: clinical testing. Allele origin: germline.
Comment: This sequence change replaces histidine, which is basic and polar, with arginine, which is basic and polar, at codon 247 of the BLM protein (p.His247Arg). This variant is not present in population databases (gnomAD no frequency). This variant has not been reported in the literature in individuals affected with BLM-related conditions. ClinVar contains an entry for this variant (Variation ID: 1758770). An algorithm developed to predict the effect of missense changes on protein structure and function (PolyPhen-2) suggests that this variant is likely to be tolerated. In summary, the available evidence is currently insufficient to determine the role of this variant in disease. Therefore, it has been classified as a Variant of Uncertain Significance.

Ambry Genetics
Classification: Uncertain significance for Hereditary cancer-predisposing syndrome. Last evaluated: 2023-11-28. Review status: criteria provided, single submitter. Criteria: Ambry Variant Classification Scheme 2023. Collection method: clinical testing. Allele origin: germline.
Comment: The p.H247R variant (also known as c.740A>G), located in coding exon 2 of the BLM gene, results from an A to G substitution at nucleotide position 740. The histidine at codon 247 is replaced by arginine, an amino acid with highly similar properties. This amino acid position is conserved. In addition, this alteration is predicted to be tolerated by in silico analysis. Since supporting evidence is limited at this time, the clinical significance of this alteration remains unclear.

NM_000057.4(BLM):c.740A>G (p.His247Arg)

Gene: BLM (BLM RecQ like helicase; plus strand). Cytogenetic location: 15q26.1.
Variant type: single nucleotide variant.
Coding change: c.740A>G on transcript NM_000057.4 (MANE Select); coding-DNA position 740, A replaced by G.
Protein change: p.His247Arg; replaces histidine 247 with arginine.
Molecular consequence: missense variant. On other transcripts: 5 prime UTR variant (1).
Genome position (GRCh38, 1-based): chr15:90,750,008, A>G. VCF-style: chr15-90750008-A-G. GRCh37 (hg19) VCF-style: chr15-91293238-A-G.
Other names: c.740A>G, p.His247Arg (NM_001287246.2, NM_001287247.2); c.-552A>G (NM_001287248.2); short protein forms H247R.
Identifiers: ClinVar variation 1758770 (VCV001758770.3), dbSNP rs2505394772, ClinGen allele CA393841452.